The following is an entry in ClinVar:

NM_000018.4(ACADVL):c.1434+2T>C

Gene: ACADVL (acyl-CoA dehydrogenase very long chain; plus strand). Cytogenetic location: 17p13.1.
Variant type: single nucleotide variant.
Coding change: c.1434+2T>C on transcript NM_000018.4 (MANE Select); the canonical splice donor site of the intron after coding-DNA position 1434, T replaced by C.
Molecular consequence: splice donor variant.
Genome position (GRCh38, 1-based): chr17:7,224,071, T>C. VCF-style: chr17-7224071-T-C. GRCh37 (hg19) VCF-style: chr17-7127390-T-C.
Other names: c.1503+2T>C (NM_001270447.2); c.1206+2T>C (NM_001270448.2); c.1368+2T>C (NM_001033859.3).
Identifiers: ClinVar variation 4817320 (VCV004817320.1).

ClinVar aggregate classification (germline): Likely pathogenic (1 of 4 stars; one submission).

Conditions:
Very long chain acyl-CoA dehydrogenase deficiency (ACADVLD). Also called: Very Long-Chain Acyl-Coenzyme A Dehydrogenase Deficiency; VLCAD Deficiency. Identifiers: Orphanet 26793, MedGen C3887523, MONDO:0008723, OMIM 201475.

Submission:

Natera, Inc.
Classification: Likely pathogenic for Very long chain acyl-CoA dehydrogenase deficiency. Last evaluated: 2024-03-27. Review status: criteria provided, single submitter. Criteria: Natera Variant Classification Schema (03/2026). Collection method: clinical testing. Allele origin: germline.
Comment: The c.1434+2T>C variant in ACADVL is a canonical splice donor site variant predicted to affect pre-mRNA splicing, which may result in an abnormal transcript and altered protein product. This variant is expected to result in nonsense mediated decay, truncation, or a dysfunctional protein product. This variant is rare in the general population with a frequency below the threshold expected for the associated phenotype(s). Given the available evidence, this variant is classified as Likely Pathogenic.